The following is an entry in ClinVar:

NM_001032283.3(TMPO):c.565+2236C>G

Gene: TMPO (thymopoietin; plus strand). Cytogenetic location: 12q23.1.
Variant type: single nucleotide variant.
Coding change: c.565+2236C>G on transcript NM_001032283.3 (MANE Select); 2236 bases into the intron after coding-DNA position 565, C replaced by G.
Molecular consequence: intron variant. On other transcripts: nonsense (1).
Genome position (GRCh38, 1-based): chr12:98,534,074, C>G. VCF-style: chr12-98534074-C-G. GRCh37 (hg19) VCF-style: chr12-98927852-C-G.
Other names: c.1817C>G, p.Ser606Ter (NM_003276.2); c.565+2236C>G (NM_001307975.2, NM_001032284.3); short protein forms S606*.
Identifiers: ClinVar variation 536982 (VCV000536982.7), dbSNP rs746645331, ClinGen allele CA6732490.
Genomic context (GRCh38, chr12:98,534,074, plus strand): 5'-CTGCCTTTGTAGCTAAGGCTATGCAGGCAGACATTAGTCAAGCTGCACAGATTCTTAGCT[C>G]AGATCCTAGTCGTACCCACCAAGCGCTTGGGATTCTGAGCAAAACATATGATGCAGCCTC-3'

ClinVar aggregate classification (germline): Uncertain significance (1 of 4 stars; one submission).

Conditions:
Loeys-Dietz syndrome 2 (LDS2). Also called: AORTIC ANEURYSM, FAMILIAL THORACIC 3; MARFAN SYNDROME, TYPE II; Marfan syndrome, type 2 (formerly); TGFBR2-Related Loeys-Dietz Syndrome; Marfan Syndrome type 2; Marfan like connective tissue disorder. Identifiers: Orphanet 284973, Orphanet 558, MedGen C2674574, MONDO:0012427, OMIM 610168.

Allele frequency attached by ClinVar (database versions not stated): gnomAD 0.00001; gnomAD exomes 0.00001 and 0.00003; ExAC 0.00003; TOPMed 0.00003.
gnomAD v4.1: 15 of 1,610,044 alleles (0.00093%); highest among the groups gnomAD compares: Admixed American, 0.02%; no homozygotes.

Submission:

Labcorp Genetics (formerly Invitae), Labcorp
Classification: Uncertain significance for Loeys-Dietz syndrome 2. Last evaluated: 2023-09-30. Review status: criteria provided, single submitter. Criteria: Invitae Variant Classification Sherloc (09022015). Collection method: clinical testing. Allele origin: germline.
Comment: This sequence change creates a premature translational stop signal (p.Ser606*) in the TMPO gene. While this is not anticipated to result in nonsense mediated decay, it is expected to disrupt the last 89 amino acid(s) of the TMPO protein. This variant is present in population databases (rs746645331, gnomAD 0.02%). This variant has not been reported in the literature in individuals affected with TMPO-related conditions. ClinVar contains an entry for this variant (Variation ID: 536982). In summary, the available evidence is currently insufficient to determine the role of this variant in disease. Therefore, it has been classified as a Variant of Uncertain Significance.